The following is an entry in ClinVar:

NM_001042681.2(RERE):c.3436C>T (p.Arg1146Trp)

Gene: RERE (arginine-glutamic acid dipeptide repeats; minus strand). Cytogenetic location: 1p36.23.
Variant type: single nucleotide variant.
Coding change: c.3436C>T on transcript NM_001042681.2 (MANE Select); coding-DNA position 3436, C replaced by T.
Protein change: p.Arg1146Trp; replaces arginine 1146 with tryptophan.
Molecular consequence: missense variant.
Genome position (GRCh38, 1-based): chr1:8,359,946, G>A on the plus strand (C>T on the coding strand, the complement: RERE is on the minus strand). VCF-style: chr1-8359946-G-A. GRCh37 (hg19) VCF-style: chr1-8420006-G-A.
Other names: c.1774C>T, p.Arg592Trp (NM_001042682.2); c.3436C>T, p.Arg1146Trp (NM_012102.4); short protein forms R1146W, R592W.
Identifiers: ClinVar variation 1212133 (VCV001212133.16), dbSNP rs1178020687, ClinGen allele CA338170583.

ClinVar aggregate classification (germline): Conflicting classifications of pathogenicity. Review status: criteria provided, conflicting classifications (1 of 4 stars). 4 submissions from 4 submitters: Likely pathogenic (1); Uncertain significance (3). Last evaluated 2026-10-20.

Conditions:
Inborn genetic diseases. Identifiers: MedGen C0950123, MeSH D030342.
Neurodevelopmental disorder with or without anomalies of the brain, eye, or heart (NEDBEH). Identifiers: Orphanet 494344, MedGen C5567477, MONDO:0014857, OMIM 616975.

Allele frequency attached by ClinVar (database versions not stated): gnomAD exomes below 0.00001.
gnomAD v4.1: 1 of 1,613,156 alleles (0.000062%); highest among the groups gnomAD compares: Non-Finnish European, 0.000085%; no homozygotes.

Submissions (4):

GeneDx
Classification: Likely pathogenic. Last evaluated: 2026-10-20. Review status: criteria provided, single submitter. Criteria: GeneDx Variant Classification Process June 2021. Collection method: clinical testing. Allele origin: germline.
Comment: Not observed at significant frequency in large population cohorts (gnomAD); In silico analysis supports that this missense variant has a deleterious effect on protein structure/function; Has not been previously published as pathogenic or benign to our knowledge

Ambry Genetics
Classification: Uncertain significance for Inborn genetic diseases. Last evaluated: 2025-09-04. Review status: criteria provided, single submitter. Criteria: Ambry Variant Classification Scheme 2023. Collection method: clinical testing. Allele origin: germline.
Comment: The c.3436C>T (p.R1146W) alteration is located in exon 20 (coding exon 18) of the RERE gene. This alteration results from a C to T substitution at nucleotide position 3436, causing the arginine (R) at amino acid position 1146 to be replaced by a tryptophan (W). The Genome Aggregation Database (gnomAD) data for this variant is unreliable due to technical and/or biological issues; therefore, population frequency estimates were not considered. This amino acid position is highly conserved in available vertebrate species. This alteration is predicted to be deleterious by in silico analysis. Based on insufficient or conflicting evidence, the clinical significance of this alteration remains unclear.

Greenwood Genetic Center Diagnostic Laboratories, Greenwood Genetic Center
Classification: Uncertain significance. Last evaluated: 2021-03-01. Review status: criteria provided, single submitter. Criteria: ACMG Guidelines, 2015. Collection method: clinical testing. Allele origin: germline. Affected: yes.
Comment: PP3, PM2

Revvity Omics, Revvity
Classification: Uncertain significance for Neurodevelopmental disorder with or without anomalies of the brain, eye, or heart. Last evaluated: 2019-06-05. Review status: criteria provided, single submitter. Criteria: ACMG Guidelines, 2015. Collection method: clinical testing. Allele origin: germline.